The following is an entry in ClinVar:

NM_001035.3(RYR2):c.11402+4A>G

Gene: RYR2 (ryanodine receptor 2; plus strand). Cytogenetic location: 1q43.
Variant type: single nucleotide variant.
Coding change: c.11402+4A>G on transcript NM_001035.3 (MANE Select); 4 bases into the intron after coding-DNA position 11402, A replaced by G.
Molecular consequence: intron variant.
Genome position (GRCh38, 1-based): chr1:237,759,856, A>G. VCF-style: chr1-237759856-A-G. GRCh37 (hg19) VCF-style: chr1-237923156-A-G.
Other names: c.11402+4A>G (LRG_402t1).
Identifiers: ClinVar variation 497470 (VCV000497470.9), dbSNP rs1553313446, ClinGen allele CA658795642.

ClinVar aggregate classification (germline): Uncertain significance. Review status: criteria provided, multiple submitters, no conflicts (2 of 4 stars). 2 submissions from 2 submitters: Uncertain significance (2). Last evaluated 2024-05-07.

Conditions:
Catecholaminergic polymorphic ventricular tachycardia 1. Also called: RYR2-Related Catecholaminergic Polymorphic Ventricular Tachycardia; VENTRICULAR TACHYCARDIA, CATECHOLAMINERGIC POLYMORPHIC, 1, WITH OR WITHOUT ATRIAL DYSFUNCTION AND/OR DILATED CARDIOMYOPATHY; VENTRICULAR TACHYCARDIA, STRESS-INDUCED POLYMORPHIC 1. Identifiers: Orphanet 3286, MedGen C1631597, MONDO:0011484, OMIM 604772.

Submissions (2):

Labcorp Genetics (formerly Invitae), Labcorp
Classification: Uncertain significance for Catecholaminergic polymorphic ventricular tachycardia 1. Last evaluated: 2024-05-07. Review status: criteria provided, single submitter. Criteria: Invitae Variant Classification Sherloc (09022015). Collection method: clinical testing. Allele origin: germline.
Comment: This sequence change falls in intron 83 of the RYR2 gene. It does not directly change the encoded amino acid sequence of the RYR2 protein. It affects a nucleotide within the consensus splice site. This variant is not present in population databases (gnomAD no frequency). This variant has not been reported in the literature in individuals affected with RYR2-related conditions. ClinVar contains an entry for this variant (Variation ID: 497470). Variants that disrupt the consensus splice site are a relatively common cause of aberrant splicing (PMID: 17576681, 9536098). Algorithms developed to predict the effect of sequence changes on RNA splicing suggest that this variant may disrupt the consensus splice site. In summary, the available evidence is currently insufficient to determine the role of this variant in disease. Therefore, it has been classified as a Variant of Uncertain Significance.

Eurofins Ntd Llc (ga)
Classification: Uncertain significance. Last evaluated: 2016-10-11. Review status: criteria provided, single submitter. Criteria: EGL Classification Definitions 2015. Collection method: clinical testing. Allele origin: germline. Observed: 1 variant allele, 1 heterozygote.

Literature cited by the submitters: PubMed 17576681 (cited by Labcorp Genetics (formerly Invitae), Labcorp); PubMed 9536098 (cited by Labcorp Genetics (formerly Invitae), Labcorp).